The following is an entry in ClinVar:

ClinVar aggregate classification (germline): Benign/Likely benign. Review status: criteria provided, multiple submitters, no conflicts (2 of 4 stars). 12 submissions from 12 submitters: Benign (8); Likely benign (1). 3 of the submissions do not count toward it. Last evaluated 2026-02-04.

Conditions:
Retinal dystrophy. Also called: Inherited retinal dystrophy. Identifiers: Orphanet 71862, MedGen C0854723, MeSH D058499, MONDO:0019118, HP:0000556.
Retinitis pigmentosa (RP). Identifiers: Orphanet 791, MedGen C0035334, MeSH D012174, MONDO:0019200, OMIM 268000. Inheritance: Autosomal dominant, autosomal recessive and X linked inheritance.
Retinitis pigmentosa 25 (RP25). Identifiers: Orphanet 791, MedGen C1864446, MONDO:0011272, OMIM 602772.

Allele frequency attached by ClinVar (database versions not stated): gnomAD exomes 0.33542 and 0.35733; TOPMed 0.35337; ESP Exome Variant Server 0.36115; ExAC 0.36324; 1000 Genomes Project 30x 0.34650; gnomAD 0.35152 and 0.35062; 1000 Genomes Project 0.34964.
gnomAD v4.1: 553,024 of 1,548,378 alleles (36%); highest among the groups gnomAD compares: African/African-American, 38%; 99,961 homozygotes.

Submissions (12):

Labcorp Genetics (formerly Invitae), Labcorp
Classification: Benign. Last evaluated: 2026-02-04. Review status: criteria provided, single submitter. Criteria: Invitae Variant Classification Sherloc (09022015). Collection method: clinical testing. Allele origin: germline.

Blueprint Genetics
Classification: Benign. Last evaluated: 2024-11-27. Review status: criteria provided, single submitter. Criteria: ACMG Guidelines, 2015. Collection method: clinical testing. Allele origin: germline.

Dept Of Ophthalmology, Nagoya University
Classification: Benign for Retinal dystrophy. Last evaluated: 2023-10-01. Review status: criteria provided, single submitter. Criteria: Submitter's publication. Collection method: research. Allele origin: germline. Affected: yes.

Women's Health and Genetics/Laboratory Corporation of America, LabCorp
Classification: Likely benign. Last evaluated: 2023-04-20. Review status: criteria provided, single submitter. Criteria: LabCorp Variant Classification Summary - May 2015. Collection method: clinical testing. Allele origin: germline.

Genome-Nilou Lab
Classification: Benign for Retinitis pigmentosa 25. Last evaluated: 2021-07-01. Review status: criteria provided, single submitter. Criteria: ACMG Guidelines, 2015. Collection method: clinical testing. Allele origin: germline. Affected: no.

Illumina Laboratory Services, Illumina
Classification: Benign for Retinitis pigmentosa. Last evaluated: 2018-01-13. Review status: criteria provided, single submitter. Criteria: ICSL Variant Classification Criteria 13 December 2019. Collection method: clinical testing. Allele origin: germline.
Comment: This variant was observed in the ICSL laboratory as part of a predisposition screen in an ostensibly healthy population. It had not been previously curated by ICSL or reported in the Human Gene Mutation Database (HGMD: prior to June 1st, 2018), and was therefore a candidate for classification through an automated scoring system. Utilizing variant allele frequency, disease prevalence and penetrance estimates, and inheritance mode, an automated score was calculated to assess if this variant is too frequent to cause the disease. Based on the score and internal cut-off values, a variant classified as benign is not then subjected to further curation. The score for this variant resulted in a classification of benign for this disease.

Clinical Genetics DNA and cytogenetics Diagnostics Lab, Erasmus MC, Erasmus Medical Center
Classification: Benign for Retinitis pigmentosa 25. Last evaluated: 2015-03-04. Review status: criteria provided, single submitter. Criteria: ACGS Guidelines, 2013. Collection method: clinical testing. Allele origin: germline. Affected: yes. Study: VKGL Data-share Consensus.

Eurofins Ntd Llc (ga)
Classification: Benign. Last evaluated: 2013-09-19. Review status: criteria provided, single submitter. Criteria: EGL Classification Definitions 2015. Collection method: clinical testing. Allele origin: germline. Observed: 2 variant alleles, 1 heterozygote, 1 homozygote.

GeneDx
Classification: Benign. Last evaluated: 2011-07-05. Review status: criteria provided, single submitter. Criteria: GeneDx Variant Classification (06012015). Collection method: clinical testing. Allele origin: germline. Affected: yes.
Comment: This variant is considered likely benign or benign based on one or more of the following criteria: it is a conservative change, it occurs at a poorly conserved position in the protein, it is predicted to be benign by multiple in silico algorithms, and/or has population frequency not consistent with disease.

Natera, Inc.
Classification: Benign for Retinitis pigmentosa. Last evaluated: 2020-09-16. Review status: no assertion criteria provided. Collection method: clinical testing. Allele origin: germline. Not counted in ClinVar's aggregate classification.

Diagnostic Laboratory, Department of Genetics, University Medical Center Groningen
Classification: Benign for Retinitis pigmentosa 25. Review status: no assertion criteria provided. Collection method: clinical testing. Allele origin: germline. Affected: yes. Study: VKGL Data-share Consensus. Not counted in ClinVar's aggregate classification.

Joint Genome Diagnostic Labs from Nijmegen and Maastricht, Radboudumc and MUMC+
Classification: Benign. Review status: no assertion criteria provided. Collection method: clinical testing. Allele origin: germline. Affected: yes. Study: VKGL Data-share Consensus. Not counted in ClinVar's aggregate classification.

NM_001142800.2(EYS):c.6977G>A (p.Arg2326Gln)

Gene: EYS (EGF-like photoreceptor maintenance factor; minus strand). Cytogenetic location: 6q12.
Variant type: single nucleotide variant.
Coding change: c.6977G>A on transcript NM_001142800.2 (MANE Select); coding-DNA position 6977, G replaced by A.
Protein change: p.Arg2326Gln; replaces arginine 2326 with glutamine.
Molecular consequence: missense variant.
Genome position (GRCh38, 1-based): chr6:63,984,461, C>T on the plus strand (G>A on the coding strand, the complement: EYS is on the minus strand). VCF-style: chr6-63984461-C-T. GRCh37 (hg19) VCF-style: chr6-64694354-C-T.
Other names: p.R2326Q:CGA>CAA; c.6977G>A (FM209056.1); c.6977G>A, p.Arg2326Gln (NM_001292009.2); short protein forms R2326Q.
Identifiers: ClinVar variation 93620 (VCV000093620.27), dbSNP rs4710457, ClinGen allele CA147166.